The following is an entry in ClinVar:

ClinVar aggregate classification (germline): Uncertain significance (1 of 4 stars; one submission).

Conditions:
Developmental and epileptic encephalopathy, 27 (DEE27). Also called: Epileptic encephalopathy, early infantile, 27; GRIN2B-Related Neurodevelopmental Disorder. Identifiers: Orphanet 3451, MedGen C4015316, MONDO:0014505, OMIM 616139.
Intellectual developmental disorder, autosomal dominant 6, with or without seizures. Also called: Intellectual disability, autosomal dominant 6; GRIN2B-related developmental delay, intellectual disability and autism spectrum disorder. Identifiers: Orphanet 589547, MedGen C3151411, MONDO:0013509, OMIM 613970.

Submission:

Labcorp Genetics (formerly Invitae), Labcorp
Classification: Uncertain significance for Developmental and epileptic encephalopathy, 27; Intellectual developmental disorder, autosomal dominant 6, with or without seizures. Last evaluated: 2026-01-28. Review status: criteria provided, single submitter. Criteria: Invitae Variant Classification Sherloc (09022015). Collection method: clinical testing. Allele origin: germline.
Comment: This sequence change replaces aspartic acid, which is acidic and polar, with alanine, which is neutral and non-polar, at codon 1380 of the GRIN2B protein (p.Asp1380Ala). This variant is not present in population databases (gnomAD no frequency). This variant has not been reported in the literature in individuals affected with GRIN2B-related conditions. ClinVar contains an entry for this variant (Variation ID: 3748115). Invitae Evidence Modeling of protein sequence and biophysical properties (such as structural, functional, and spatial information, amino acid conservation, physicochemical variation, residue mobility, and thermodynamic stability) indicates that this missense variant is not expected to disrupt GRIN2B protein function with a negative predictive value of 95%. In summary, the available evidence is currently insufficient to determine the role of this variant in disease. Therefore, it has been classified as a Variant of Uncertain Significance.

NM_000834.5(GRIN2B):c.4139A>C (p.Asp1380Ala)

Gene: GRIN2B (glutamate ionotropic receptor NMDA type subunit 2B; minus strand). Cytogenetic location: 12p13.1.
Variant type: single nucleotide variant.
Coding change: c.4139A>C on transcript NM_000834.5 (MANE Select); coding-DNA position 4139, A replaced by C.
Protein change: p.Asp1380Ala; replaces aspartic acid 1380 with alanine.
Molecular consequence: missense variant.
Genome position (GRCh38, 1-based): chr12:13,563,099, T>G on the plus strand (A>C on the coding strand, the complement: GRIN2B is on the minus strand). VCF-style: chr12-13563099-T-G. GRCh37 (hg19) VCF-style: chr12-13716033-T-G.
Other names: c.4139A>C, p.Asp1380Ala (NM_001413992.1); short protein forms D1380A.
Identifiers: ClinVar variation 3748115 (VCV003748115.2).
Genomic context (GRCh38, chr12:13,563,099, plus strand): 5'-CCATGGAGCAAGCACTGGTCGTCCCCAAAAGTGGGGATGAAAGGGTTTTGCGTGACCCGG[T>G]CAGGGTAGAGCGACTTGCTGAGCATGTACCCGCCGCCGGGGTTGTTGTGGTGGTGATGTC-3'
Protein context (NP_000825.2, residues 1370-1390): GYMLSKSLYP[Asp1380Ala]RVTQNPFIPT